The following is an entry in ClinVar:

ClinVar aggregate classification (germline): Uncertain significance (1 of 4 stars; one submission).

Conditions:
Hereditary cancer-predisposing syndrome. Also called: Hereditary Cancer Syndrome; Hereditary neoplastic syndrome; Neoplastic Syndromes, Hereditary; Tumor predisposition. Identifiers: Orphanet 140162, MedGen C0027672, MeSH D009386, MONDO:0015356.

Submission:

Ambry Genetics
Classification: Uncertain significance for Hereditary cancer-predisposing syndrome. Last evaluated: 2026-08-18. Review status: criteria provided, single submitter. Criteria: Ambry Variant Classification Scheme 2023. Collection method: clinical testing. Allele origin: germline.
Comment: The c.312G>A variant (also known as p.L104L), located in coding exon 2 of the CDKN2A gene, results from a G to A substitution at nucleotide position 312 and does not change the amino acid at position 104 of the p16 isoform. Of note, this variant is also known as p.G119R (c.355G>A) in the p14(ARF) isoform and results from a glycine to arginine substitution at amino acid position 119. The evidence supporting a relationship between p14(ARF) and melanoma-pancreatic cancer syndrome is limited; therefore, the association of this variant with this gene-disease relationship is unknown. However, the association of this variant in the p16 isoform with melanoma-pancreatic cancer syndrome is unlikely.

NM_000077.5(CDKN2A):c.312G>A (p.Leu104=)

Gene: CDKN2A (cyclin dependent kinase inhibitor 2A; minus strand). Cytogenetic location: 9p21.3.
Variant type: single nucleotide variant.
Coding change: c.312G>A on transcript NM_000077.5; coding-DNA position 312, G replaced by A.
Protein change: p.Leu104=; no amino-acid change (leucine 104 retained).
Molecular consequence: missense variant (on NM_058195.4). On other transcripts: 3 prime UTR variant (1), synonymous variant (3).
Genome position (GRCh38, 1-based): chr9:21,971,047, C>T on the plus strand (G>A on the coding strand, the complement: CDKN2A is on the minus strand). VCF-style: chr9-21971047-C-T. GRCh37 (hg19) VCF-style: chr9-21971046-C-T.
Other names: c.355G>A, p.Gly119Arg (NM_058195.4); c.*235G>A (NM_058197.5); c.312G>A, p.Leu104= (NM_001195132.2, NM_000077.6); c.159G>A, p.Leu53= (NM_001363763.2); short protein forms G119R.
Identifiers: ClinVar variation 1727943 (VCV001727943.3), dbSNP rs2131093926, ClinGen allele CA373086083.
Genomic context (GRCh38, chr9:21,971,047, plus strand): 5'-GCGATGGCCCAGCTCCTCAGCCAGGTCCACGGGCAGACGGCCCCAGGCATCGCGCACGTC[C>T]AGCCGCGCCCCGGCCCGGTGCAGCACCACCAGCGTGTCCAGGAAGCCCTCCCGGGCAGCG-3'
Protein context (NP_000068.1, residues 94-114): LVVLHRAGAR[Leu104=]DVRDAWGRLP